The following is an entry in ClinVar:

NM_018979.4(WNK1):c.6369A>C (p.Arg2123Ser)

Gene: WNK1 (WNK lysine deficient protein kinase 1; plus strand). Cytogenetic location: 12p13.33.
Variant type: single nucleotide variant.
Coding change: c.6369A>C on transcript NM_018979.4 (MANE Select); coding-DNA position 6369, A replaced by C.
Protein change: p.Arg2123Ser; replaces arginine 2123 with serine.
Molecular consequence: missense variant.
Genome position (GRCh38, 1-based): chr12:897,602, A>C. VCF-style: chr12-897602-A-C. GRCh37 (hg19) VCF-style: chr12-1006768-A-C.
Other names: c.7149A>C, p.Arg2383Ser (NM_001184985.2); c.5625A>C, p.Arg1875Ser (NM_014823.3); c.7125A>C, p.Arg2375Ser (NM_213655.5); short protein forms R1875S, R2123S, R2375S, R2383S.
Identifiers: ClinVar variation 2924440 (VCV002924440.3), dbSNP rs1242660897, ClinGen allele CA383337274.

ClinVar aggregate classification (germline): Uncertain significance (1 of 4 stars; one submission).

Conditions:
Neuropathy, hereditary sensory and autonomic, type 2A (HSAN2A). Also called: HSAN IIA; WNK1-Related HSAN2 (HSAN2A); ACROOSTEOLYSIS, GIACCAI TYPE; ACROOSTEOLYSIS, NEUROGENIC; MORVAN DISEASE; NEUROPATHY, CONGENITAL SENSORY. Identifiers: Orphanet 970, MedGen C2752089, MONDO:0024309, OMIM 201300.
Pseudohypoaldosteronism type 2C (PHA2C). Also called: Pseudohypoaldosteronism Type IIC. Identifiers: Orphanet 757, Orphanet 88940, MedGen C1840391, MONDO:0013778, OMIM 614492.

Allele frequency attached by ClinVar (database versions not stated): TOPMed 0.00001.
gnomAD v4.1: 14 of 1,614,164 alleles (0.00087%); highest among the groups gnomAD compares: Non-Finnish European, 0.0012%; no homozygotes.

Submission:

Labcorp Genetics (formerly Invitae), Labcorp
Classification: Uncertain significance for Neuropathy, hereditary sensory and autonomic, type 2A; Pseudohypoaldosteronism type 2C. Last evaluated: 2025-05-28. Review status: criteria provided, single submitter. Criteria: Invitae Variant Classification Sherloc (09022015). Collection method: clinical testing. Allele origin: germline.
Comment: This sequence change replaces arginine, which is basic and polar, with serine, which is neutral and polar, at codon 2375 of the WNK1 protein (p.Arg2375Ser). This variant is not present in population databases (gnomAD no frequency). This variant has not been reported in the literature in individuals affected with WNK1-related conditions. ClinVar contains an entry for this variant (Variation ID: 2924440). Experimental studies and prediction algorithms are not available or were not evaluated, and the functional significance of this variant is currently unknown. In summary, the available evidence is currently insufficient to determine the role of this variant in disease. Therefore, it has been classified as a Variant of Uncertain Significance.